The following is an entry in ClinVar:

NM_001267550.2(TTN):c.14765G>A (p.Ser4922Asn)

Gene: TTN (titin; minus strand). Cytogenetic location: 2q31.2.
Variant type: single nucleotide variant.
Coding change: c.14765G>A on transcript NM_001267550.2 (MANE Select); coding-DNA position 14765, G replaced by A.
Protein change: p.Ser4922Asn; replaces serine 4922 with asparagine.
Molecular consequence: missense variant. On other transcripts: intron variant (3).
Genome position (GRCh38, 1-based): chr2:178,735,681, C>T on the plus strand (G>A on the coding strand, the complement: TTN is on the minus strand). VCF-style: chr2-178735681-C-T. GRCh37 (hg19) VCF-style: chr2-179600408-C-T.
Other names: p.S4605N:AGC>AAC; p.Ser4605Asn; c.13814G>A, p.Ser4605Asn (NM_001256850.1); c.11033G>A, p.Ser3678Asn (NM_133378.4); c.13282+2401G>A (NM_003319.4); c.13858+2401G>A (NM_133437.4); c.13657+2401G>A (NM_133432.3); short protein forms S4922N, S3678N, S4605N.
Identifiers: ClinVar variation 46592 (VCV000046592.78), dbSNP rs184740744, ClinGen allele CA138688.

ClinVar aggregate classification (germline): Benign/Likely benign. Review status: criteria provided, multiple submitters, no conflicts (2 of 4 stars). 23 submissions from 16 submitters: Benign (19); Likely benign (4). Last evaluated 2026-02-03.

Conditions:
Dilated cardiomyopathy 1G (CMD1G). Identifiers: Orphanet 154, MedGen C1858763, MONDO:0011400, OMIM 604145.
Autosomal recessive limb-girdle muscular dystrophy type 2J (LGMDR10). Also called: MUSCULAR DYSTROPHY, LIMB-GIRDLE, AUTOSOMAL RECESSIVE 10; Limb-girdle muscular dystrophy, type 2J. Identifiers: Orphanet 140922, MedGen C1837342, MONDO:0012127, OMIM 608807.
Cardiovascular phenotype. Identifiers: MedGen CN230736.
Cardiomyopathy (CMYO). Also called: Cardiomyopathies. Identifiers: Orphanet 167848, MedGen C0878544, MONDO:0004994, HP:0001638. Inheritance: Various modes of inheritance.
Early-onset myopathy with fatal cardiomyopathy (CMYO5). Also called: CONGENITAL MYOPATHY 5 WITH CARDIOMYOPATHY; Salih Myopathy. Identifiers: Orphanet 289377, MedGen C2673677, MONDO:0012714, OMIM 611705. Disease mechanism: loss of function.
Myopathy, myofibrillar, 9, with early respiratory failure (MFM9). Also called: Myopathy, distal, with early respiratory failure, autosomal dominant; Hereditary myopathy with early respiratory failure; MYOPATHY, PROXIMAL, WITH EARLY RESPIRATORY MUSCLE INVOLVEMENT; EDSTROM MYOPATHY. Identifiers: Orphanet 178464, Orphanet 34521, MedGen C1863599, MONDO:0011362, OMIM 603689.
Tibial muscular dystrophy (TMD). Also called: Udd Distal Myopathy – Tibial Muscular Dystrophy; Tibial muscular dystrophy, tardive; UDD MYOPATHY. Identifiers: Orphanet 609, MedGen C1838244, MONDO:0010870, OMIM 600334.

Allele frequency attached by ClinVar (database versions not stated): 1000 Genomes Project 0.00399; gnomAD 0.00194 and 0.00181; gnomAD exomes 0.00122 and 0.00587; TOPMed 0.00383; ExAC 0.00421; ESP Exome Variant Server 0.00025; 1000 Genomes Project 30x 0.00437.
gnomAD v4.1: 2,056 of 1,613,802 alleles (0.13%); highest among the groups gnomAD compares: Admixed American, 3.3%; 59 homozygotes.

Submissions (23):

Labcorp Genetics (formerly Invitae), Labcorp
Classification: Benign for Dilated cardiomyopathy 1G; Autosomal recessive limb-girdle muscular dystrophy type 2J. Last evaluated: 2026-02-03. Review status: criteria provided, single submitter. Criteria: Invitae Variant Classification Sherloc (09022015). Collection method: clinical testing. Allele origin: germline.

Molecular Diagnostic Laboratory for Inherited Cardiovascular Disease, Montreal Heart Institute
Classification: Likely benign. Last evaluated: 2025-04-09. Review status: criteria provided, single submitter. Criteria: ACMG Guidelines, 2015. Collection method: clinical testing. Allele origin: germline. Affected: no.

ARUP Laboratories, Molecular Genetics and Genomics, ARUP Laboratories
Classification: Benign. Last evaluated: 2023-11-22. Review status: criteria provided, single submitter. Criteria: ARUP Molecular Germline Variant Investigation Process 2024. Collection method: clinical testing. Allele origin: germline.

Women's Health and Genetics/Laboratory Corporation of America, LabCorp
Classification: Benign. Last evaluated: 2023-01-09. Review status: criteria provided, single submitter. Criteria: LabCorp Variant Classification Summary - May 2015. Collection method: clinical testing. Allele origin: germline.
Comment: Variant summary: TTN c.11033G>A (p.Ser3678Asn) results in a conservative amino acid change in the encoded protein sequence. Two of two in-silico tools predict a benign effect of the variant on protein function. The variant allele was found at a frequency of 0.0059 in 248644 control chromosomes in the gnomAD database, including 41 homozygotes. The observed variant frequency is approximately 9 fold of the estimated maximal expected allele frequency for a pathogenic variant in TTN causing Cardiomyopathy phenotype (0.00063), strongly suggesting that the variant is benign. Eleven clinical diagnostic laboratories have submitted clinical-significance assessments for this variant to ClinVar after 2014 without evidence for independent evaluation. All laboratories classified the variant as benign/likely benign. Based on the evidence outlined above, the variant was classified as benign.

Genome-Nilou Lab
Classification: Benign for Autosomal recessive limb-girdle muscular dystrophy type 2J. Last evaluated: 2021-09-10. Review status: criteria provided, single submitter. Criteria: ACMG Guidelines, 2015. Collection method: clinical testing. Allele origin: germline. Affected: no.

Genome-Nilou Lab
Classification: Benign for Myopathy, myofibrillar, 9, with early respiratory failure. Last evaluated: 2021-09-10. Review status: criteria provided, single submitter. Criteria: ACMG Guidelines, 2015. Collection method: clinical testing. Allele origin: germline. Affected: no.

Genome-Nilou Lab
Classification: Benign for Early-onset myopathy with fatal cardiomyopathy. Last evaluated: 2021-09-10. Review status: criteria provided, single submitter. Criteria: ACMG Guidelines, 2015. Collection method: clinical testing. Allele origin: germline. Affected: no.

Genome-Nilou Lab
Classification: Benign for Tibial muscular dystrophy. Last evaluated: 2021-09-10. Review status: criteria provided, single submitter. Criteria: ACMG Guidelines, 2015. Collection method: clinical testing. Allele origin: germline. Affected: no.

Center for Advanced Laboratory Medicine, UC San Diego Health, University of California San Diego
Classification: Benign for Cardiomyopathy. Last evaluated: 2019-05-14. Review status: criteria provided, single submitter. Criteria: ACMG Guidelines, 2015. Collection method: clinical testing. Allele origin: germline. Affected: yes. Observed: 2 variant alleles.

CHEO Genetics Diagnostic Laboratory, Children's Hospital of Eastern Ontario
Classification: Benign for Cardiomyopathy. Last evaluated: 2018-01-31. Review status: criteria provided, single submitter. Criteria: ACMG Guidelines, 2015. Collection method: clinical testing. Allele origin: germline.

Illumina Laboratory Services, Illumina
Classification: Benign for Myopathy, myofibrillar, 9, with early respiratory failure. Last evaluated: 2018-01-13. Review status: criteria provided, single submitter. Criteria: ICSL Variant Classification Criteria 13 December 2019. Collection method: clinical testing. Allele origin: germline.
Comment: This variant was observed in the ICSL laboratory as part of a predisposition screen in an ostensibly healthy population. It had not been previously curated by ICSL or reported in the Human Gene Mutation Database (HGMD: prior to June 1st, 2018), and was therefore a candidate for classification through an automated scoring system. Utilizing variant allele frequency, disease prevalence and penetrance estimates, and inheritance mode, an automated score was calculated to assess if this variant is too frequent to cause the disease. Based on the score and internal cut-off values, a variant classified as benign is not then subjected to further curation. The score for this variant resulted in a classification of benign for this disease.

Illumina Laboratory Services, Illumina
Classification: Benign for Tibial muscular dystrophy. Last evaluated: 2018-01-13. Review status: criteria provided, single submitter. Criteria: ICSL Variant Classification Criteria 13 December 2019. Collection method: clinical testing. Allele origin: germline.
Comment: the same text as in the submission from Illumina Laboratory Services, Illumina above.

Illumina Laboratory Services, Illumina
Classification: Benign for Early-onset myopathy with fatal cardiomyopathy. Last evaluated: 2018-01-13. Review status: criteria provided, single submitter. Criteria: ICSL Variant Classification Criteria 13 December 2019. Collection method: clinical testing. Allele origin: germline.
Comment: the same text as in the submission from Illumina Laboratory Services, Illumina above.

Illumina Laboratory Services, Illumina
Classification: Benign for Autosomal recessive limb-girdle muscular dystrophy type 2J. Last evaluated: 2018-01-13. Review status: criteria provided, single submitter. Criteria: ICSL Variant Classification Criteria 13 December 2019. Collection method: clinical testing. Allele origin: germline.
Comment: the same text as in the submission from Illumina Laboratory Services, Illumina above.

Illumina Laboratory Services, Illumina
Classification: Likely benign for Dilated cardiomyopathy 1G. Last evaluated: 2018-01-13. Review status: criteria provided, single submitter. Criteria: ICSL Variant Classification Criteria 13 December 2019. Collection method: clinical testing. Allele origin: germline.
Comment: This variant was observed in the ICSL laboratory as part of a predisposition screen in an ostensibly healthy population. It had not been previously curated by ICSL or reported in the Human Gene Mutation Database (HGMD: prior to June 1st, 2018), and was therefore a candidate for classification through an automated scoring system. Utilizing variant allele frequency, disease prevalence and penetrance estimates, and inheritance mode, an automated score was calculated to assess if this variant is too frequent to cause the disease. Based on the score and internal cut-off values, a variant classified as likely benign is not then subjected to further curation. The score for this variant resulted in a classification of likely benign for this disease.

Mayo Clinic Laboratories, Mayo Clinic
Classification: Benign. Last evaluated: 2017-08-15. Review status: criteria provided, single submitter. Criteria: ACMG Guidelines, 2015. Collection method: clinical testing. Allele origin: germline. Observed: 11 variant alleles.

Athena Diagnostics
Classification: Benign. Last evaluated: 2016-09-27. Review status: criteria provided, single submitter. Criteria: Athena Diagnostics Criteria. Collection method: clinical testing. Allele origin: germline.

GeneDx
Classification: Benign. Last evaluated: 2016-02-18. Review status: criteria provided, single submitter. Criteria: GeneDx Variant Classification (06012015). Collection method: clinical testing. Allele origin: germline. Affected: yes.
Comment: This variant is considered likely benign or benign based on one or more of the following criteria: it is a conservative change, it occurs at a poorly conserved position in the protein, it is predicted to be benign by multiple in silico algorithms, and/or has population frequency not consistent with disease.

Eurofins Ntd Llc (ga)
Classification: Benign. Last evaluated: 2015-08-17. Review status: criteria provided, single submitter. Criteria: EGL Classification Definitions 2015. Collection method: clinical testing. Allele origin: germline. Observed: 1 variant allele, 1 heterozygote.

Genetic Services Laboratory, University of Chicago
Classification: Likely benign. Last evaluated: 2015-02-10. Review status: criteria provided, single submitter. Criteria: ACMG Guidelines, 2015. Collection method: clinical testing. Allele origin: germline.

Laboratory for Molecular Medicine, Mass General Brigham Personalized Medicine
Classification: Benign. Last evaluated: 2014-12-23. Review status: criteria provided, single submitter. Criteria: LMM Criteria. Collection method: clinical testing. Allele origin: germline. Observed: 6 variant alleles.
Comment: p.Ser3678Asn in exon 47 of TTN: This variant is not expected to have clinical si gnificance because it has been identified in 4.3% (495/11530) of Latino chromoso mes by the Exome Aggregation Consortium (ExAC; dbSNP rs184740744). In addition, multiple mammals carry an asparagine (Asn) at t his position, despite high amino acid conservation nearby, supporting that this change would be tolerated.

Ambry Genetics
Classification: Benign for Cardiovascular phenotype. Last evaluated: 2013-04-11. Review status: criteria provided, single submitter. Criteria: Ambry Autosomal Dominant and X-Linked criteria (10/2015). Collection method: clinical testing. Allele origin: germline. Observed: 1 variant allele.

Breakthrough Genomics
Classification: Likely benign. Review status: criteria provided, single submitter. Criteria: ACMG Guidelines, 2015. Collection method: not provided. Allele origin: germline. Inheritance: Autosomal recessive inheritance. Affected: yes.